The following is an entry in ClinVar:

ClinVar aggregate classification (germline): Likely benign (1 of 4 stars; one submission).

Allele frequency attached by ClinVar (database versions not stated): ESP Exome Variant Server 0.00032; TOPMed 0.00040; gnomAD exomes 0.00050; gnomAD 0.00053; 1000 Genomes Project 30x 0.00078; 1000 Genomes Project 0.00100; ExAC 0.00112.
gnomAD v4.1: 785 of 1,551,120 alleles (0.051%); highest among the groups gnomAD compares: Middle Eastern, 0.33%; 3 homozygotes.

Submission:

CeGaT Center for Human Genetics Tuebingen
Classification: Likely benign. Last evaluated: 2023-05-01. Review status: criteria provided, single submitter. Criteria: CeGaT Center For Human Genetics Tuebingen Variant Classification Criteria Version 2. Collection method: clinical testing. Allele origin: germline. Affected: yes. Observed: 1 variant allele.
Comment: SLC2A7: BP4

NM_207420.3(SLC2A7):c.1116+6A>G

Gene: SLC2A7 (solute carrier family 2 member 7; minus strand). Cytogenetic location: 1p36.23.
Variant type: single nucleotide variant.
Coding change: c.1116+6A>G on transcript NM_207420.3 (MANE Select); 6 bases into the intron after coding-DNA position 1116, A replaced by G.
Molecular consequence: intron variant.
Genome position (GRCh38, 1-based): chr1:9,010,137, T>C on the plus strand (A>G on the coding strand, the complement: SLC2A7 is on the minus strand). VCF-style: chr1-9010137-T-C. GRCh37 (hg19) VCF-style: chr1-9070196-T-C.
Identifiers: ClinVar variation 2638182 (VCV002638182.24), dbSNP rs138250900, ClinGen allele CA573413.
Genomic context (GRCh38, chr1:9,010,137, plus strand): 5'-TTCAGTCAGGGGACCTCCCACCCTCCCCATGACTCCCCACCCAGGGGGCAGGAAATGAGG[T>C]CAGACCTGGAATAGGAGCACCACCGTCAGCACCAGGCAGGCAGAGCCGCAGATGCCGTAG-3'